The following is an entry in ClinVar:

NM_001273.5(CHD4):c.4092C>A (p.Ser1364=)

Genes: CHD4 (chromodomain helicase DNA binding protein 4; minus strand), CHD4-AS1 (CHD4 antisense RNA 1; plus strand). Cytogenetic location: 12p13.31.
Variant type: single nucleotide variant.
Coding change: c.4092C>A on transcript NM_001273.5 (MANE Select); coding-DNA position 4092, C replaced by A.
Protein change: p.Ser1364=; no amino-acid change (serine 1364 retained).
Molecular consequence: synonymous variant.
Genome position (GRCh38, 1-based): chr12:6,583,082, G>T on the plus strand (C>A on the coding strand, the complement: CHD4 is on the minus strand). VCF-style: chr12-6583082-G-T. GRCh37 (hg19) VCF-style: chr12-6692248-G-T.
Other names: c.4071C>A, p.Ser1357= (NM_001297553.2); c.4053C>A, p.Ser1351= (NM_001363606.2).
Identifiers: ClinVar variation 3029223 (VCV003029223.2), dbSNP rs974734141, ClinGen allele CA232387125.

ClinVar aggregate classification (germline): Likely benign (0 of 4 stars; one submission).

Conditions:
CHD4-related disorder. Also called: CHD4-related condition.

Allele frequency attached by ClinVar (database versions not stated): gnomAD 0.00001.
gnomAD v4.1: 1 of 1,580,310 alleles (0.000063%); highest among the groups gnomAD compares: Non-Finnish European, 0.000086%; no homozygotes.

Submission:

PreventionGenetics, part of Exact Sciences
Classification: Likely benign for CHD4-related condition. Last evaluated: 2021-10-12. Review status: no assertion criteria provided. Collection method: clinical testing. Allele origin: germline.
Comment: This variant is classified as likely benign based on ACMG/AMP sequence variant interpretation guidelines (Richards et al. 2015 PMID: 25741868, with internal and published modifications).